The following is an entry in ClinVar:

NM_017570.5(OPLAH):c.730G>A (p.Ala244Thr)

Gene: OPLAH (5-oxoprolinase, ATP-hydrolysing; minus strand). Cytogenetic location: 8q24.3.
Variant type: single nucleotide variant.
Coding change: c.730G>A on transcript NM_017570.5 (MANE Select); coding-DNA position 730, G replaced by A.
Protein change: p.Ala244Thr; replaces alanine 244 with threonine.
Molecular consequence: missense variant.
Genome position (GRCh38, 1-based): chr8:144,058,549, C>T on the plus strand (G>A on the coding strand, the complement: OPLAH is on the minus strand). VCF-style: chr8-144058549-C-T. GRCh37 (hg19) VCF-style: chr8-145113452-C-T.
Other names: short protein forms A244T.
Identifiers: ClinVar variation 2085553 (VCV002085553.1), dbSNP rs201941411, ClinGen allele CA4932181.

ClinVar aggregate classification (germline): Uncertain significance (1 of 4 stars; one submission).

Conditions:
5-Oxoprolinase deficiency (OPLAHD). Also called: 5-OXOPROLINURIA DUE TO 5-OXOPROLINASE DEFICIENCY. Identifiers: Orphanet 33572, MedGen C0268525, MONDO:0009825, OMIM 260005, HP:0040142.

Allele frequency attached by ClinVar (database versions not stated): ExAC 0.00015; 1000 Genomes Project 0.00020; gnomAD 0.00039; TOPMed 0.00045; 1000 Genomes Project 30x 0.00047; ESP Exome Variant Server 0.00094.

Submission:

Labcorp Genetics (formerly Invitae), Labcorp
Classification: Uncertain significance for 5-Oxoprolinase deficiency. Last evaluated: 2022-05-27. Review status: criteria provided, single submitter. Criteria: Invitae Variant Classification Sherloc (09022015). Collection method: clinical testing. Allele origin: germline.
Comment: This sequence change replaces alanine, which is neutral and non-polar, with threonine, which is neutral and polar, at codon 244 of the OPLAH protein (p.Ala244Thr). This variant is present in population databases (rs201941411, gnomAD 0.1%). This variant has not been reported in the literature in individuals affected with OPLAH-related conditions. Algorithms developed to predict the effect of missense changes on protein structure and function output the following: SIFT: "Not Available"; PolyPhen-2: "Benign"; Align-GVGD: "Not Available". The threonine amino acid residue is found in multiple mammalian species, which suggests that this missense change does not adversely affect protein function. In summary, the available evidence is currently insufficient to determine the role of this variant in disease. Therefore, it has been classified as a Variant of Uncertain Significance.